The following is an entry in ClinVar:

ClinVar aggregate classification (germline): Uncertain significance (1 of 4 stars; one submission).

Conditions:
Charcot-Marie-Tooth disease axonal type 2P. Also called: CHARCOT-MARIE-TOOTH NEUROPATHY, TYPE 2P; Charcot-Marie-Tooth Neuropathy Type 2G; CHARCOT-MARIE-TOOTH DISEASE, AXONAL, TYPE 2G; CMT 2G. Identifiers: Orphanet 300319, Orphanet 99941, MedGen C3280797, MONDO:0013753, OMIM 614436.

Submission:

Labcorp Genetics (formerly Invitae), Labcorp
Classification: Uncertain significance for Charcot-Marie-Tooth disease axonal type 2P. Last evaluated: 2023-02-24. Review status: criteria provided, single submitter. Criteria: Invitae Variant Classification Sherloc (09022015). Collection method: clinical testing. Allele origin: germline.
Comment: In summary, the available evidence is currently insufficient to determine the role of this variant in disease. Therefore, it has been classified as a Variant of Uncertain Significance. Advanced modeling of protein sequence and biophysical properties (such as structural, functional, and spatial information, amino acid conservation, physicochemical variation, residue mobility, and thermodynamic stability) performed at Invitae indicates that this missense variant is not expected to disrupt LRSAM1 protein function. This variant has not been reported in the literature in individuals affected with LRSAM1-related conditions. This variant is not present in population databases (gnomAD no frequency). This sequence change replaces arginine, which is basic and polar, with leucine, which is neutral and non-polar, at codon 232 of the LRSAM1 protein (p.Arg232Leu).

NM_001005373.4(LRSAM1):c.695G>T (p.Arg232Leu)

Gene: LRSAM1 (leucine rich repeat and sterile alpha motif containing 1; plus strand). Cytogenetic location: 9q33.3.
Variant type: single nucleotide variant.
Coding change: c.695G>T on transcript NM_001005373.4 (MANE Select); coding-DNA position 695, G replaced by T.
Protein change: p.Arg232Leu; replaces arginine 232 with leucine.
Molecular consequence: missense variant. On other transcripts: 5 prime UTR variant (1), non-coding transcript variant (2).
Genome position (GRCh38, 1-based): chr9:127,473,876, G>T. VCF-style: chr9-127473876-G-T. GRCh37 (hg19) VCF-style: chr9-130236155-G-T.
Other names: c.695G>T, p.Arg232Leu (NM_001005374.4, NM_001190723.3, NM_001384142.1 and 2 more transcripts); c.-90G>T (NM_001384144.1); short protein forms R232L.
Identifiers: ClinVar variation 2840583 (VCV002840583.3), dbSNP rs778692919, ClinGen allele CA374929766.